The following is an entry in ClinVar:

NM_001267550.2(TTN):c.100906dup (p.Ile33636fs)

Genes: TTN (titin; minus strand), TTN-AS1 (TTN antisense RNA 1; plus strand). Cytogenetic location: 2q31.2.
Variant type: Duplication.
Coding change: c.100906dup on transcript NM_001267550.2 (MANE Select); coding-DNA position 100906, one base duplicated (A; older notation c.100906dupA).
Protein change: p.Ile33636fs; shifts the reading frame from isoleucine 33636.
Molecular consequence: frameshift variant.
Genome position (GRCh38, 1-based): chr2:178,535,709, T duplicated on the plus strand (A on the coding strand, the reverse complement: TTN is on the minus strand). VCF-style (leftmost placement, unchanged base first): chr2-178535708-A-AT. GRCh37 (hg19) VCF-style: chr2-179400435-A-AT.
Other names: c.95983dup, p.Ile31995fs (NM_001256850.1); c.73711dup, p.Ile24571fs (NM_003319.4); c.93202dup, p.Ile31068fs (NM_133378.4); c.74086dup, p.Ile24696fs (NM_133432.3); c.74287dup, p.Ile24763fs (NM_133437.4); short protein forms I31995fs, I24696fs, I24763fs, I24571fs, I31068fs, I33636fs.
Identifiers: ClinVar variation 2017193 (VCV002017193.4), dbSNP rs2468584949, ClinGen allele CA2580064937.
Genomic context (GRCh38, chr2:178,535,708, plus strand): 5'-GGGAAAACAAGTGATGTGAAGGATCTTGTGACAATAACTTGGTAGTGGCCATTATTGTCA[A>AT]TGAGATCTTGTCCTTTCTGCCAGGTGATCACAGGATCTGGTTTGCCACTGAAAGGAATCT-3'

ClinVar aggregate classification (germline): Likely pathogenic (1 of 4 stars; one submission).

Conditions:
Autosomal recessive limb-girdle muscular dystrophy type 2J (LGMDR10). Also called: Limb-girdle muscular dystrophy, type 2J; MUSCULAR DYSTROPHY, LIMB-GIRDLE, AUTOSOMAL RECESSIVE 10. Identifiers: Orphanet 140922, MedGen C1837342, MONDO:0012127, OMIM 608807.
Dilated cardiomyopathy 1G (CMD1G). Identifiers: Orphanet 154, MedGen C1858763, MONDO:0011400, OMIM 604145.

Submission:

Labcorp Genetics (formerly Invitae), Labcorp
Classification: Likely pathogenic for Dilated cardiomyopathy 1G; Autosomal recessive limb-girdle muscular dystrophy type 2J. Last evaluated: 2023-12-06. Review status: criteria provided, single submitter. Criteria: Invitae Variant Classification Sherloc (09022015). Collection method: clinical testing. Allele origin: germline.
Comment: This sequence change creates a premature translational stop signal (p.Ile33636Asnfs*2) in the TTN gene. While this is not anticipated to result in nonsense mediated decay, it is expected to create a truncated TTN protein. This variant is not present in population databases (gnomAD no frequency). This variant has not been reported in the literature in individuals affected with TTN-related conditions. ClinVar contains an entry for this variant (Variation ID: 2017193). This variant is located in the M band of TTN (PMID: 25589632). Truncating variants in this region have been previously reported in individuals affected with autosomal recessive myopathy and muscular dystrophy (PMID: 18948003, 23975875, 24395473). Truncating variants in this region have also been identified in individuals affected with autosomal dominant dilated cardiomyopathy and/or cardio-related conditions (PMID: 27869827, 32964742). In summary, the currently available evidence indicates that the variant is pathogenic, but additional data are needed to prove that conclusively. Therefore, this variant has been classified as Likely Pathogenic.

Literature cited by the submitters: PubMed 25589632; PubMed 18948003; PubMed 23975875; PubMed 24395473; PubMed 27869827; PubMed 32964742.